The following is an entry in ClinVar:

ClinVar aggregate classification (germline): Uncertain significance. Review status: criteria provided, multiple submitters, no conflicts (2 of 4 stars). 2 submissions from 2 submitters: Uncertain significance (2). Last evaluated 2022-10-25.

Conditions:
GM3 synthase deficiency (SPDRS). Also called: SALT AND PEPPER DEVELOPMENTAL REGRESSION SYNDROME; SALT AND PEPPER MENTAL RETARDATION SYNDROME; AMISH INFANTILE EPILEPSY SYNDROME. Identifiers: Orphanet 171714, Orphanet 370933, MedGen C1836824, MONDO:0018274, OMIM 609056.

Allele frequency attached by ClinVar (database versions not stated): gnomAD exomes 0.00001 and 0.00002; TOPMed 0.00001; ExAC 0.00002; gnomAD 0.00002.
gnomAD v4.1: 22 of 1,614,002 alleles (0.0014%); highest among the groups gnomAD compares: East Asian, 0.02%; no homozygotes.

Submissions (2):

Labcorp Genetics (formerly Invitae), Labcorp
Classification: Uncertain significance for GM3 synthase deficiency. Last evaluated: 2022-10-25. Review status: criteria provided, single submitter. Criteria: Invitae Variant Classification Sherloc (09022015). Collection method: clinical testing. Allele origin: germline.
Comment: This sequence change replaces arginine, which is basic and polar, with cysteine, which is neutral and slightly polar, at codon 416 of the ST3GAL5 protein (p.Arg416Cys). This variant is present in population databases (rs768727734, gnomAD 0.03%). This variant has not been reported in the literature in individuals affected with ST3GAL5-related conditions. ClinVar contains an entry for this variant (Variation ID: 952271). Algorithms developed to predict the effect of missense changes on protein structure and function output the following: SIFT: "Tolerated"; PolyPhen-2: "Benign"; Align-GVGD: "Class C0". The cysteine amino acid residue is found in multiple mammalian species, which suggests that this missense change does not adversely affect protein function. In summary, the available evidence is currently insufficient to determine the role of this variant in disease. Therefore, it has been classified as a Variant of Uncertain Significance.

Department of Pathology and Laboratory Medicine, Sinai Health System
Classification: Uncertain significance for GM3 synthase deficiency. Last evaluated: 2022-06-16. Review status: criteria provided, single submitter. Criteria: ACMG Guidelines, 2015. Collection method: research. Allele origin: germline.

NM_003896.4(ST3GAL5):c.1246C>T (p.Arg416Cys)

Gene: ST3GAL5 (ST3 beta-galactoside alpha-2,3-sialyltransferase 5; minus strand). Cytogenetic location: 2p11.2.
Variant type: single nucleotide variant.
Coding change: c.1246C>T on transcript NM_003896.4 (MANE Select); coding-DNA position 1246, C replaced by T.
Protein change: p.Arg416Cys; replaces arginine 416 with cysteine.
Molecular consequence: missense variant.
Genome position (GRCh38, 1-based): chr2:85,840,155, G>A on the plus strand (C>T on the coding strand, the complement: ST3GAL5 is on the minus strand). VCF-style: chr2-85840155-G-A. GRCh37 (hg19) VCF-style: chr2-86067278-G-A.
Other names: c.1177C>T, p.Arg393Cys (NM_001042437.2); c.862C>T, p.Arg288Cys (NM_001354223.2, NM_001354224.2, NM_001354226.2 and 3 more transcripts); c.1162C>T, p.Arg388Cys (NM_001354227.2, NM_001354229.2, NM_001354238.1); c.523C>T, p.Arg175Cys (NM_001354247.1); c.1087C>T, p.Arg363Cys (NM_001363847.1); short protein forms R416C, R363C, R388C, R393C, R175C, R288C.
Identifiers: ClinVar variation 952271 (VCV000952271.8), dbSNP rs768727734, ClinGen allele CA1744863.